The following is an entry in ClinVar:

NM_018699.4(PRDM5):c.1703C>A (p.Thr568Asn)

Gene: PRDM5 (PR/SET domain 5; minus strand). Cytogenetic location: 4q27.
Variant type: single nucleotide variant.
Coding change: c.1703C>A on transcript NM_018699.4 (MANE Select); coding-DNA position 1703, C replaced by A.
Protein change: p.Thr568Asn; replaces threonine 568 with asparagine.
Molecular consequence: missense variant. On other transcripts: 3 prime UTR variant (1), intron variant (1).
Genome position (GRCh38, 1-based): chr4:120,710,334, G>T on the plus strand (C>A on the coding strand, the complement: PRDM5 is on the minus strand). VCF-style: chr4-120710334-G-T. GRCh37 (hg19) VCF-style: chr4-121631489-G-T.
Other names: c.1610C>A, p.Thr537Asn (NM_001300823.2); c.*18C>A (NM_001300824.2); c.1736C>A, p.Thr579Asn (NM_001379104.1); c.1531-15059C>A (NM_001379106.1); short protein forms T568N, T537N, T579N.
Identifiers: ClinVar variation 1778391 (VCV001778391.3), dbSNP rs2529842773, ClinGen allele CA358206750.

ClinVar aggregate classification (germline): Uncertain significance. Review status: criteria provided, multiple submitters, no conflicts (2 of 4 stars). 2 submissions from 2 submitters: Uncertain significance (2). Last evaluated 2026-05-11.

Conditions:
Cardiovascular phenotype. Identifiers: MedGen CN230736.

Submissions (2):

Women's Health and Genetics/Laboratory Corporation of America, LabCorp
Classification: Uncertain significance. Last evaluated: 2026-05-11. Review status: criteria provided, single submitter. Criteria: LabCorp Variant Classification Summary - May 2015. Collection method: clinical testing. Allele origin: germline.

Ambry Genetics
Classification: Uncertain significance for Cardiovascular phenotype. Last evaluated: 2021-09-20. Review status: criteria provided, single submitter. Criteria: Ambry Variant Classification Scheme 2023. Collection method: clinical testing. Allele origin: germline.
Comment: The p.T568N variant (also known as c.1703C>A), located in coding exon 15 of the PRDM5 gene, results from a C to A substitution at nucleotide position 1703. The threonine at codon 568 is replaced by asparagine, an amino acid with similar properties. This amino acid position is conserved. In addition, this alteration is predicted to be tolerated by in silico analysis. Since supporting evidence is limited at this time, the clinical significance of this alteration remains unclear.